The following is an entry in ClinVar:

ClinVar aggregate classification (germline): Uncertain significance (1 of 4 stars; one submission).

gnomAD v4.1: 10 of 1,613,890 alleles (0.00062%); highest among the groups gnomAD compares: African/African-American, 0.012%; no homozygotes.

Submission:

Labcorp Genetics (formerly Invitae), Labcorp
Classification: Uncertain significance. Last evaluated: 2024-02-16. Review status: criteria provided, single submitter. Criteria: Invitae Variant Classification Sherloc (09022015). Collection method: clinical testing. Allele origin: germline.
Comment: This sequence change replaces serine, which is neutral and polar, with cysteine, which is neutral and slightly polar, at codon 664 of the MYO6 protein (p.Ser664Cys). This variant is present in population databases (rs199929374, gnomAD 0.01%). This variant has not been reported in the literature in individuals affected with MYO6-related conditions. Advanced modeling of protein sequence and biophysical properties (such as structural, functional, and spatial information, amino acid conservation, physicochemical variation, residue mobility, and thermodynamic stability) performed at Invitae indicates that this missense variant is not expected to disrupt MYO6 protein function with a negative predictive value of 80%. In summary, the available evidence is currently insufficient to determine the role of this variant in disease. Therefore, it has been classified as a Variant of Uncertain Significance.

NM_004999.4(MYO6):c.1990A>T (p.Ser664Cys)

Gene: MYO6 (myosin VI; plus strand). Cytogenetic location: 6q14.1.
Variant type: single nucleotide variant.
Coding change: c.1990A>T on transcript NM_004999.4 (MANE Select); coding-DNA position 1990, A replaced by T.
Protein change: p.Ser664Cys; replaces serine 664 with cysteine.
Molecular consequence: missense variant. On other transcripts: non-coding transcript variant (1).
Genome position (GRCh38, 1-based): chr6:75,873,213, A>T. VCF-style: chr6-75873213-A-T. GRCh37 (hg19) VCF-style: chr6-76582930-A-T.
Other names: c.1990A>T, p.Ser664Cys (NM_001368136.1, NM_001368137.1, NM_001368865.1 and 2 more transcripts); c.1975A>T, p.Ser659Cys (NM_001368138.1); short protein forms S659C, S664C.
Identifiers: ClinVar variation 3624404 (VCV003624404.2).
Genomic context (GRCh38, chr6:75,873,213, plus strand): 5'-AGAAAACTAAGAATGCTATATGTATTGTAACAAAAAGTACCTTTATTTTCCTAGGGAGCA[A>T]GCTTTATTCGTTGCATCAAACCTAACTTAAAGATGACAAGCCACCACTTTGAAGGTGCTC-3'
Protein context (NP_004990.3, residues 654-674): LLDKLRSTGA[Ser664Cys]FIRCIKPNLK